The following is an entry in ClinVar:

ClinVar aggregate classification (germline): Pathogenic (1 of 4 stars; one submission).

Conditions:
Primary ciliary dyskinesia. Also called: Ciliary dyskinesia. Identifiers: Orphanet 244, MedGen C0008780, MONDO:0016575, HP:0012265.

Submission:

Ambry Genetics
Classification: Pathogenic for Primary ciliary dyskinesia. Last evaluated: 2025-03-25. Review status: criteria provided, single submitter. Criteria: Ambry Variant Classification Scheme 2023. Collection method: clinical testing. Allele origin: germline.
Comment: The p.Q288* pathogenic mutation (also known as c.862C>T), located in coding exon 6 of the DNAI2 gene, results from a C to T substitution at nucleotide position 862. This changes the amino acid from a glutamine to a stop codon within coding exon 6. This variant is considered to be rare based on population cohorts in the Genome Aggregation Database (gnomAD). This alteration is expected to result in loss of function by premature protein truncation or nonsense-mediated mRNA decay. As such, this alteration is interpreted as a disease-causing mutation.

NM_023036.6(DNAI2):c.862C>T (p.Gln288Ter)

Gene: DNAI2 (dynein axonemal intermediate chain 2; plus strand). Cytogenetic location: 17q25.1.
Variant type: single nucleotide variant.
Coding change: c.862C>T on transcript NM_023036.6 (MANE Select); coding-DNA position 862, C replaced by T.
Protein change: p.Gln288Ter; replaces glutamine 288 with a stop codon.
Molecular consequence: nonsense. On other transcripts: non-coding transcript variant (1).
Genome position (GRCh38, 1-based): chr17:74,299,855, C>T. VCF-style: chr17-74299855-C-T. GRCh37 (hg19) VCF-style: chr17-72295994-C-T.
Other names: c.862C>T, p.Gln288Ter (NM_001172810.3, NM_001353167.2); short protein forms Q288*.
Identifiers: ClinVar variation 4013411 (VCV004013411.1).